The following is an entry in ClinVar:

NM_004360.5(CDH1):c.1460_1461del (p.Val487fs)

Gene: CDH1 (cadherin 1; plus strand). Cytogenetic location: 16q22.1.
Variant type: Microsatellite.
Coding change: c.1460_1461del on transcript NM_004360.5 (MANE Select); coding-DNA positions 1460 to 1461, 2 bases deleted (TG; older notation c.1460_1461delTG).
Protein change: p.Val487fs; shifts the reading frame from valine 487.
Molecular consequence: frameshift variant. On other transcripts: 5 prime UTR variant (2).
Genome position (GRCh38, 1-based): chr16:68,815,654-68,815,655, TG deleted; deleting any 2 consecutive bases within chr16:68,815,652-68,815,655 gives the same sequence; the c. name uses the placement nearest the transcript's 3' end. VCF-style (leftmost placement, unchanged base first): chr16-68815651-TTG-T. GRCh37 (hg19) VCF-style: chr16-68849554-TTG-T.
Other names: c.1277_1278del, p.Val426fs (NM_001317184.2); c.-91TG[1] (NM_001317185.2); c.-362TG[1] (NM_001317186.2); short protein forms V426fs, V487fs.
Identifiers: ClinVar variation 567085 (VCV000567085.15), dbSNP rs1567508939, ClinGen allele CA891843864.
Genomic context (GRCh38, chr16:68,815,651, plus strand): 5'-TCACCACCTCCACAGCCACCGTCACCGTGGATGTGCTGGATGTGAATGAAGCCCCCATCT[TTG>T]TGCCTCCTGAAAAGAGAGTGGAAGTGTCCGAGGACTTTGGCGTGGGCCAGGAAATCACAT-3'

ClinVar aggregate classification (germline): Pathogenic. Review status: reviewed by expert panel (3 of 4 stars). 4 submissions from 4 submitters: Pathogenic (1). 3 of the submissions do not count toward it. Last evaluated 2023-08-04.

Conditions:
Hereditary diffuse gastric adenocarcinoma (HDGC). Also called: DIFFUSE GASTRIC AND LOBULAR BREAST CANCER SYNDROME. Identifiers: Orphanet 26106, MedGen C1708349, MONDO:0007648, OMIM 137215.
CDH1-related diffuse gastric and lobular breast cancer syndrome. Also called: CDH1-related diffuse gastric and lobular breast cancer. Identifiers: MedGen CN311521, MONDO:0100488.
Hereditary cancer-predisposing syndrome. Also called: Neoplastic Syndromes, Hereditary; Tumor predisposition; Hereditary Cancer Syndrome; Hereditary neoplastic syndrome. Identifiers: Orphanet 140162, MedGen C0027672, MeSH D009386, MONDO:0015356.

Submissions (4):

Clingen Gastric Cancer Variant Curation Expert Panel
Classification: Pathogenic for CDH1-related diffuse gastric and lobular breast cancer syndrome. Last evaluated: 2023-08-04. Review status: reviewed by expert panel. Criteria: ClinGen CDH1 ACMG Specifications V3.1. Collection method: curation. Allele origin: germline. Inheritance: Autosomal dominant inheritance.
Comment: The c.1460_1461del (p.Val487Alafs*3) variant is predicted to result in a premature stop codon that leads to nonsense mediate decay (PVS1 and PM5_supporting). The variant is absent in the gnomAD cohort (PM2_supporting). Therefore, this variant meets criteria to be classified as pathogenic based on the ACMG/AMP criteria applied as specified by the CDH1 Variant Curation Expert Panel (CDH1 VCEP specifications version 3.1): PVS1, PM2_supporting, PM5_supporting.

GeneDx
Classification: Pathogenic. Last evaluated: 2019-06-07. Review status: criteria provided, single submitter. Criteria: GeneDx Variant Classification Process June 2021. Collection method: clinical testing. Allele origin: germline. Affected: yes. Not counted in ClinVar's aggregate classification.
Comment: Frameshift variant predicted to result in protein truncation or nonsense mediated decay in a gene for which loss-of-function is a known mechanism of disease; Not observed in large population cohorts (Lek et al., 2016); Has not been previously published as pathogenic or benign to our knowledge

Labcorp Genetics (formerly Invitae), Labcorp
Classification: Pathogenic for Hereditary diffuse gastric adenocarcinoma. Last evaluated: 2018-04-25. Review status: criteria provided, single submitter. Criteria: Invitae Variant Classification Sherloc (09022015). Collection method: clinical testing. Allele origin: germline. Not counted in ClinVar's aggregate classification.
Comment: This variant has not been reported in the literature in individuals with CDH1-related disease. This variant is not present in population databases (ExAC no frequency). This sequence change creates a premature translational stop signal (p.Val487Alafs*3) in the CDH1 gene. It is expected to result in an absent or disrupted protein product. Loss-of-function variants in CDH1 are known to be pathogenic (PMID: 15235021, 20373070). For these reasons, this variant has been classified as Pathogenic.

Ambry Genetics
Classification: Pathogenic for Hereditary cancer-predisposing syndrome. Last evaluated: 2014-07-23. Review status: criteria provided, single submitter. Criteria: Ambry Variant Classification Scheme 2023. Collection method: clinical testing. Allele origin: germline. Not counted in ClinVar's aggregate classification.
Comment: The c.1460_1461delTG pathogenic mutation, located in coding exon 10 of the CDH1 gene, results from a deletion of two nucleotides between positions 1460 and 1461, causing a translational frameshift with a predicted alternate stop codon. Since frameshifts are typically deleterious in nature, this alteration is interpreted as a disease-causing mutation (ACMG Recommendations for Standards for Interpretation and Reporting of Sequence Variations. Revision 2007. Genet Med. 2008;10:294).

Literature cited by the submitters: PubMed 15235021 (cited by Labcorp Genetics (formerly Invitae), Labcorp); PubMed 20373070 (cited by Labcorp Genetics (formerly Invitae), Labcorp).